The following is an entry in ClinVar:

ClinVar aggregate classification (germline): Conflicting classifications of pathogenicity. Review status: criteria provided, conflicting classifications (1 of 4 stars). 3 submissions from 3 submitters: Uncertain significance (2); Likely benign (1). Last evaluated 2026-04-02.

Conditions:
Inborn genetic diseases. Identifiers: MedGen C0950123, MeSH D030342.
Early-infantile DEE. Also called: Early infantile epileptic encephalopathy; Early infantile epileptic encephalopathy with suppression bursts; Ohtahara syndrome. Identifiers: Orphanet 1934, MedGen C0393706, MONDO:0800491.

Allele frequency attached by ClinVar (database versions not stated): gnomAD exomes 0.00001 and 0.00002; gnomAD 0.00001; TOPMed 0.00001; ExAC 0.00002.

Submissions (3):

GeneDx
Classification: Uncertain significance. Last evaluated: 2026-04-02. Review status: criteria provided, single submitter. Criteria: GeneDx Variant Classification Process June 2021. Collection method: clinical testing. Allele origin: germline.
Comment: In silico analysis supports that this missense variant has a deleterious effect on protein structure/function; This substitution is predicted to be within the cytoplasmic loop between the first and second homologous domains; Has not been previously published as pathogenic or benign to our knowledge

Ambry Genetics
Classification: Likely benign for Inborn genetic diseases. Last evaluated: 2025-01-09. Review status: criteria provided, single submitter. Criteria: Ambry Variant Classification Scheme 2023. Collection method: clinical testing. Allele origin: germline.

Labcorp Genetics (formerly Invitae), Labcorp
Classification: Uncertain significance for Early-infantile DEE. Last evaluated: 2024-07-25. Review status: criteria provided, single submitter. Criteria: Invitae Variant Classification Sherloc (09022015). Collection method: clinical testing. Allele origin: germline.
Comment: This sequence change replaces tyrosine, which is neutral and polar, with histidine, which is basic and polar, at codon 739 of the SCN1A protein (p.Tyr739His). This variant is present in population databases (rs768736409, gnomAD 0.003%). This variant has not been reported in the literature in individuals affected with SCN1A-related conditions. ClinVar contains an entry for this variant (Variation ID: 1367915). Advanced modeling of protein sequence and biophysical properties (such as structural, functional, and spatial information, amino acid conservation, physicochemical variation, residue mobility, and thermodynamic stability) performed at Invitae indicates that this missense variant is expected to disrupt SCN1A protein function with a positive predictive value of 95%. In summary, the available evidence is currently insufficient to determine the role of this variant in disease. Therefore, it has been classified as a Variant of Uncertain Significance.

NM_001165963.4(SCN1A):c.2215T>C (p.Tyr739His)

Gene: SCN1A (sodium voltage-gated channel alpha subunit 1; minus strand). Cytogenetic location: 2q24.3.
Variant type: single nucleotide variant.
Coding change: c.2215T>C on transcript NM_001165963.4 (MANE Select); coding-DNA position 2215, T replaced by C.
Protein change: p.Tyr739His; replaces tyrosine 739 with histidine.
Molecular consequence: missense variant. On other transcripts: 5 prime UTR variant (1), non-coding transcript variant (1).
Genome position (GRCh38, 1-based): chr2:166,041,431, A>G on the plus strand (T>C on the coding strand, the complement: SCN1A is on the minus strand). VCF-style: chr2-166041431-A-G. GRCh37 (hg19) VCF-style: chr2-166897941-A-G.
Other names: c.2131T>C, p.Tyr711His (NM_001165964.3, NM_001353957.2, NM_001353958.2); c.2215T>C, p.Tyr739His (NM_001202435.3, NM_001353948.2); c.2182T>C, p.Tyr728His (NM_001353949.2, NM_001353950.2, NM_001353951.2 and 2 more transcripts); c.2179T>C, p.Tyr727His (NM_001353954.2, NM_001353955.2); c.2128T>C, p.Tyr710His (NM_001353960.2); c.-244T>C (NM_001353961.2); c.2215T>C (NM_001165963.1); short protein forms Y727H, Y710H, Y711H, Y739H, Y728H.
Identifiers: ClinVar variation 1367915 (VCV001367915.9), dbSNP rs768736409, ClinGen allele CA1943142.